The following is an entry in ClinVar:

NM_001927.4(DES):c.897+8G>A

Gene: DES (desmin; plus strand). Cytogenetic location: 2q35.
Variant type: single nucleotide variant.
Coding change: c.897+8G>A on transcript NM_001927.4 (MANE Select); 8 bases into the intron after coding-DNA position 897, G replaced by A.
Molecular consequence: intron variant.
Genome position (GRCh38, 1-based): chr2:219,420,664, G>A. VCF-style: chr2-219420664-G-A. GRCh37 (hg19) VCF-style: chr2-220285386-G-A.
Other names: c.897+8G>A (LRG_380t1).
Identifiers: ClinVar variation 379016 (VCV000379016.1), dbSNP rs1057520465, ClinGen allele CA16604075.

ClinVar aggregate classification (germline): Likely benign (1 of 4 stars; one submission).

Allele frequency attached by ClinVar (database versions not stated): gnomAD exomes below 0.00001.
gnomAD v4.1: 1 of 1,614,018 alleles (0.000062%); highest among the groups gnomAD compares: Non-Finnish European, 0.000085%; no homozygotes.

Submission:

GeneDx
Classification: Likely benign. Last evaluated: 2016-11-16. Review status: criteria provided, single submitter. Criteria: GeneDx Variant Classification (06012015). Collection method: clinical testing. Allele origin: germline. Affected: yes.
Comment: This variant is considered likely benign or benign based on one or more of the following criteria: it is a conservative change, it occurs at a poorly conserved position in the protein, it is predicted to be benign by multiple in silico algorithms, and/or has population frequency not consistent with disease.